The following is an entry in ClinVar:

NM_000433.4(NCF2):c.1055A>G (p.Tyr352Cys)

Gene: NCF2 (neutrophil cytosolic factor 2; minus strand). Cytogenetic location: 1q25.3.
Variant type: single nucleotide variant.
Coding change: c.1055A>G on transcript NM_000433.4 (MANE Select); coding-DNA position 1055, A replaced by G.
Protein change: p.Tyr352Cys; replaces tyrosine 352 with cysteine.
Molecular consequence: missense variant.
Genome position (GRCh38, 1-based): chr1:183,563,557, T>C on the plus strand (A>G on the coding strand, the complement: NCF2 is on the minus strand). VCF-style: chr1-183563557-T-C. GRCh37 (hg19) VCF-style: chr1-183532692-T-C.
Other names: c.1055A>G, p.Tyr352Cys (NM_001127651.3); c.812A>G, p.Tyr271Cys (NM_001190789.2); c.920A>G, p.Tyr307Cys (NM_001190794.2); short protein forms Y352C, Y271C, Y307C.
Identifiers: ClinVar variation 876377 (VCV000876377.12), dbSNP rs748489095, ClinGen allele CA1284688.

ClinVar aggregate classification (germline): Uncertain significance. Review status: criteria provided, multiple submitters, no conflicts (2 of 4 stars). 3 submissions from 3 submitters: Uncertain significance (3). Last evaluated 2025-01-27.

Conditions:
Inborn genetic diseases. Identifiers: MedGen C0950123, MeSH D030342.
Granulomatous disease, chronic, autosomal recessive, cytochrome b-positive, type 2. Also called: GRANULOMATOUS DISEASE, CHRONIC, DUE TO NCF2 DEFICIENCY; CGD, AUTOSOMAL RECESSIVE CYTOCHROME b-POSITIVE, TYPE II; GRANULOMATOUS DISEASE, CHRONIC, AUTOSOMAL RECESSIVE, 2; Chronic granulomatous disease due to deficiency of NCF-2; Chronic Granulomatous Disease, Autosomal Recessive, Cytochrome b-Positive, Type II. Identifiers: Orphanet 379, MedGen C1856245, MONDO:0009310, OMIM 233710.

Allele frequency attached by ClinVar (database versions not stated): ExAC 0.00001; gnomAD 0.00001; gnomAD exomes 0.00001; TOPMed 0.00001.
gnomAD v4.1: 18 of 1,613,756 alleles (0.0011%); highest among the groups gnomAD compares: Non-Finnish European, 0.0013%; no homozygotes.

Submissions (3):

Ambry Genetics
Classification: Uncertain significance for Inborn genetic diseases. Last evaluated: 2025-01-27. Review status: criteria provided, single submitter. Criteria: Ambry Variant Classification Scheme 2023. Collection method: clinical testing. Allele origin: germline.

Labcorp Genetics (formerly Invitae), Labcorp
Classification: Uncertain significance for Granulomatous disease, chronic, autosomal recessive, cytochrome b-positive, type 2. Last evaluated: 2019-05-14. Review status: criteria provided, single submitter. Criteria: Invitae Variant Classification Sherloc (09022015). Collection method: clinical testing. Allele origin: germline.
Comment: In summary, the available evidence is currently insufficient to determine the role of this variant in disease. Therefore, it has been classified as a Variant of Uncertain Significance. Algorithms developed to predict the effect of missense changes on protein structure and function are either unavailable or do not agree on the potential impact of this missense change (SIFT: "Tolerated"; PolyPhen-2: "Possibly Damaging"; Align-GVGD: "Class C0"). This variant has not been reported in the literature in individuals with NCF2-related conditions. This variant is present in population databases (rs748489095, ExAC 0.006%). This sequence change replaces tyrosine with cysteine at codon 352 of the NCF2 protein (p.Tyr352Cys). The tyrosine residue is highly conserved and there is a large physicochemical difference between tyrosine and cysteine.

Illumina Laboratory Services, Illumina
Classification: Uncertain significance for Granulomatous disease, chronic, autosomal recessive, cytochrome b-positive, type 2. Last evaluated: 2018-01-12. Review status: criteria provided, single submitter. Criteria: ICSL Variant Classification Criteria 13 December 2019. Collection method: clinical testing. Allele origin: germline.